The following is an entry in ClinVar:

NM_000051.4(ATM):c.2262A>G (p.Gln754=)

Gene: ATM (ATM serine/threonine kinase; plus strand). Cytogenetic location: 11q22.3.
Variant type: single nucleotide variant.
Coding change: c.2262A>G on transcript NM_000051.4 (MANE Select); coding-DNA position 2262, A replaced by G.
Protein change: p.Gln754=; no amino-acid change (glutamine 754 retained).
Molecular consequence: synonymous variant.
Genome position (GRCh38, 1-based): chr11:108,257,492, A>G. VCF-style: chr11-108257492-A-G. GRCh37 (hg19) VCF-style: chr11-108128219-A-G.
Other names: c.2262A>G (NM_000051.2); c.2262A>G, p.Gln754= (NM_001351834.2).
Identifiers: ClinVar variation 490465 (VCV000490465.21), dbSNP rs778320952, ClinGen allele CA6264989.

ClinVar aggregate classification (germline): Conflicting classifications of pathogenicity. Review status: criteria provided, conflicting classifications (1 of 4 stars). 7 submissions from 7 submitters: Uncertain significance (1); Benign (2); Likely benign (4). Last evaluated 2025-11-20.

Conditions:
Familial cancer of breast. Also called: hereditary breast carcinoma; Hereditary breast cancer; BREAST CANCER, FAMILIAL. Identifiers: Orphanet 227535, MedGen C0346153, MONDO:0016419, OMIM 114480. Disease mechanism: loss of function.
Ataxia-telangiectasia syndrome (AT). Also called: Cerebello-oculocutaneous telangiectasia; Immunodeficiency with ataxia telangiectasia; Ataxia-telangiectasia; Ataxia-telangiectasia, complementation group D; AT, COMPLEMENTATION GROUP C; ATAXIA-TELANGIECTASIA, COMPLEMENTATION GROUP A. Identifiers: Orphanet 100, MedGen C0004135, MONDO:0008840, OMIM 208900.
Hereditary cancer-predisposing syndrome. Also called: Tumor predisposition; Hereditary Cancer Syndrome; Neoplastic Syndromes, Hereditary; Hereditary neoplastic syndrome. Identifiers: Orphanet 140162, MedGen C0027672, MeSH D009386, MONDO:0015356.

Allele frequency attached by ClinVar (database versions not stated): gnomAD exomes 0.00002 and 0.00001; ExAC 0.00002.
gnomAD v4.1: 11 of 1,613,286 alleles (0.00068%); highest among the groups gnomAD compares: South Asian, 0.0011%; no homozygotes.

Submissions (7):

Labcorp Genetics (formerly Invitae), Labcorp
Classification: Benign for Ataxia-telangiectasia syndrome. Last evaluated: 2025-11-20. Review status: criteria provided, single submitter. Criteria: Invitae Variant Classification Sherloc (09022015). Collection method: clinical testing. Allele origin: germline.

Blueprint Genetics
Classification: Likely benign. Last evaluated: 2024-09-19. Review status: criteria provided, single submitter. Criteria: ACMG Guidelines, 2015. Collection method: clinical testing. Allele origin: germline.

Myriad Genetics, Inc.
Classification: Benign for Familial cancer of breast. Last evaluated: 2024-05-08. Review status: criteria provided, single submitter. Criteria: Myriad Autosomal Dominant, Autosomal Recessive and X-Linked Classification Criteria (2023). Collection method: clinical testing. Allele origin: unknown.
Comment: This variant is considered benign. This variant is a silent/synonymous amino acid change and it is not expected to impact splicing.

Department of Pathology and Laboratory Medicine, Sinai Health System
Classification: Likely benign for Familial cancer of breast. Last evaluated: 2022-09-19. Review status: criteria provided, single submitter. Criteria: ACMG Guidelines, 2015. Collection method: clinical testing. Allele origin: germline. Affected: yes.

Sema4
Classification: Uncertain significance for Hereditary cancer-predisposing syndrome. Last evaluated: 2022-03-15. Review status: criteria provided, single submitter. Criteria: Sema4 Curation Guidelines. Collection method: curation. Allele origin: germline.
Comment: The ATM c.2262A>G (p.Q754=) variant has not been reported in the literature to our knowledge. This variant was observed in 2/21258 chromosomes in the Finnish population, according to the Genome Aggregation Database (PMID: 32461654). The variant has been reported in ClinVar (Variation ID: 490465). In silico tools suggest that the variant may create or strengthen a cryptic splice site, though these predictions have not been confirmed by functional studies The evidence is insufficient to meet ACMG/AMP criteria for classifying the variant as benign or pathogenic. Thus, the clinical significance of this variant is currently uncertain.

Ambry Genetics
Classification: Likely benign for Hereditary cancer-predisposing syndrome. Last evaluated: 2017-12-06. Review status: criteria provided, single submitter. Criteria: Ambry Variant Classification Scheme 2023. Collection method: clinical testing. Allele origin: germline.

Color Diagnostics, LLC DBA Color Health
Classification: Likely benign for Hereditary cancer-predisposing syndrome. Last evaluated: 2017-05-19. Review status: criteria provided, single submitter. Criteria: ACMG Guidelines, 2015. Collection method: clinical testing. Allele origin: germline.